The following is an entry in ClinVar:

NM_004560.4(ROR2):c.1398dup (p.Glu467fs)

Gene: ROR2 (receptor tyrosine kinase like orphan receptor 2; minus strand). Cytogenetic location: 9q22.31.
Variant type: Duplication.
Coding change: c.1398dup on transcript NM_004560.4 (MANE Select); coding-DNA position 1398, one base duplicated (A; older notation c.1398dupA).
Protein change: p.Glu467fs; shifts the reading frame from glutamic acid 467.
Molecular consequence: frameshift variant.
Genome position (GRCh38, 1-based): chr9:91,725,096, T duplicated on the plus strand (A on the coding strand, the reverse complement: ROR2 is on the minus strand); the first of 3 consecutive T bases (chr9:91,725,096-91,725,098); duplicating any one gives the same sequence. VCF-style (leftmost placement, unchanged base first): chr9-91725095-C-CT. GRCh37 (hg19) VCF-style: chr9-94487377-C-CT.
Other names: short protein forms E467fs.
Identifiers: ClinVar variation 4293893 (VCV004293893.2).
Genomic context (GRCh38, chr9:91,725,095, plus strand): 5'-CTTTCCCAAACCGGTCCTCTCCCAGCTCCTCCATGAACCTCACCGCAGACAGGCTGATCT[C>CT]TTTGAGTTTGGCCTGTCAAGAAGAAAAGCCCCACGTGAAACATCACTGTCACCGCAGCCC-3'

ClinVar aggregate classification (germline): Pathogenic/Likely pathogenic. Review status: criteria provided, multiple submitters, no conflicts (2 of 4 stars). 2 submissions from 2 submitters: Pathogenic (1); Likely pathogenic (1). Last evaluated 2025-07-14.

Conditions:
Brachydactyly type B1 (BDB1). Identifiers: Orphanet 572385, Orphanet 93383, MedGen C1862112, MONDO:0007220, OMIM 113000.

Submissions (2):

Labcorp Genetics (formerly Invitae), Labcorp
Classification: Pathogenic. Last evaluated: 2025-07-14. Review status: criteria provided, single submitter. Criteria: Invitae Variant Classification Sherloc (09022015). Collection method: clinical testing. Allele origin: germline.
Comment: This sequence change creates a premature translational stop signal (p.Glu467Argfs*58) in the ROR2 gene. While this is not anticipated to result in nonsense mediated decay, it is expected to disrupt the last 477 amino acid(s) of the ROR2 protein. This variant is not present in population databases (gnomAD no frequency). This premature translational stop signal has been observed in individuals with clinical features of autosomal dominant brachydactyly type B (PMID: 10986040; internal data). It has also been observed to segregate with disease in related individuals. This variant is also known as 1398-1399insA. For these reasons, this variant has been classified as Pathogenic.

3billion
Classification: Likely pathogenic for Brachydactyly type B1. Last evaluated: 2025-01-30. Review status: criteria provided, single submitter. Criteria: ACMG Guidelines, 2015. Collection method: clinical testing. Allele origin: germline. Affected: yes.
Comment: The variant is observed at an extremely low frequency in the gnomAD v4.1.0 dataset (total allele frequency: <0.001%). Predicted Consequence/Location: Frameshift: predicted to result in a loss or disruption of normal protein function through protein truncation. The predicted truncated protein may be shortened by more than 10%. The variant has been reported to be associated with ROR2-related disorder (PMID: 10986040). Therefore, this variant is classified as Likely pathogenic according to the recommendation of ACMG/AMP guideline.

Literature cited by the submitters: PubMed 10986040 (cited by Labcorp Genetics (formerly Invitae), Labcorp and 3billion).